The following is an entry in ClinVar:

NM_003738.5(PTCH2):c.2372-4C>T

Gene: PTCH2 (patched 2; minus strand). Cytogenetic location: 1p34.1.
Variant type: single nucleotide variant.
Coding change: c.2372-4C>T on transcript NM_003738.5 (MANE Select); 4 bases into the intron before coding-DNA position 2372, C replaced by T.
Molecular consequence: intron variant.
Genome position (GRCh38, 1-based): chr1:44,827,313, G>A on the plus strand (C>T on the coding strand, the complement: PTCH2 is on the minus strand). VCF-style: chr1-44827313-G-A. GRCh37 (hg19) VCF-style: chr1-45292985-G-A.
Other names: c.2372-4C>T (NM_001166292.2).
Identifiers: ClinVar variation 1165941 (VCV001165941.10), dbSNP rs192320525, ClinGen allele CA823024.
Genomic context (GRCh38, chr1:44,827,313, plus strand): 5'-ACGAGTGGCGGGTGATGCGCCCAGAAGCCCAGTCCTGGTCAAAGGCAGCCTGGATTCCTG[G>A]GGGAGACCAGGATAGGGTTCTATTAGCTGGTGGCCCCAGGGCGTTTCTCCCTGCAGCACC-3'

ClinVar aggregate classification (germline): Benign/Likely benign. Review status: criteria provided, multiple submitters, no conflicts (2 of 4 stars). 2 submissions from 2 submitters: Benign (1); Likely benign (1). Last evaluated 2026-09-01.

Conditions:
Gorlin syndrome. Also called: Nevoid Basal Cell Carcinoma Syndrome; Basal cell nevus syndrome. Identifiers: Orphanet 377, MedGen C0004779, MONDO:0007187.

Allele frequency attached by ClinVar (database versions not stated): gnomAD 0.00006 and 0.00004; gnomAD exomes 0.00008 and 0.00020; TOPMed 0.00008; ExAC 0.00022; 1000 Genomes Project 0.00060; 1000 Genomes Project 30x 0.00078.
gnomAD v4.1: 56 of 1,613,824 alleles (0.0035%); highest among the groups gnomAD compares: Admixed American, 0.09%; no homozygotes.

Submissions (2):

CeGaT Center for Human Genetics Tuebingen
Classification: Likely benign. Last evaluated: 2026-09-01. Review status: criteria provided, single submitter. Criteria: CeGaT Center For Human Genetics Tuebingen Variant Classification Criteria Version 2. Collection method: clinical testing. Allele origin: germline. Affected: yes. Observed: 1 variant allele.
Comment: PTCH2: BP4

Labcorp Genetics (formerly Invitae), Labcorp
Classification: Benign for Gorlin syndrome. Last evaluated: 2025-01-06. Review status: criteria provided, single submitter. Criteria: Invitae Variant Classification Sherloc (09022015). Collection method: clinical testing. Allele origin: germline.